The following is an entry in ClinVar:

NM_006912.6(RIT1):c.335G>A (p.Arg112His)

Gene: RIT1 (Ras like without CAAX 1; minus strand). Cytogenetic location: 1q22.
Variant type: single nucleotide variant.
Coding change: c.335G>A on transcript NM_006912.6 (MANE Select); coding-DNA position 335, G replaced by A.
Protein change: p.Arg112His; replaces arginine 112 with histidine.
Molecular consequence: missense variant.
Genome position (GRCh38, 1-based): chr1:155,904,405, C>T on the plus strand (G>A on the coding strand, the complement: RIT1 is on the minus strand). VCF-style: chr1-155904405-C-T. GRCh37 (hg19) VCF-style: chr1-155874196-C-T.
Other names: c.227G>A, p.Arg76His (NM_001256820.2); c.386G>A, p.Arg129His (NM_001256821.2); short protein forms R112H, R76H, R129H.
Identifiers: ClinVar variation 2074736 (VCV002074736.7), dbSNP rs1396631322, ClinGen allele CA342802451.
Genomic context (GRCh38, chr1:155,904,405, plus strand): 5'-ACAAGAACCACAGGTGTATCGTCAGTACGTCGGACTCGATAAATAAGCTGTTTAAACTCA[C>T]GAACTTCATGGAAACTTCGACGATCCGTGATAGAGTAACAGATGATAAACCCTTCTCCTG-3'
Protein context (NP_008843.1, residues 102-122): ITDRRSFHEV[Arg112His]EFKQLIYRVR

ClinVar aggregate classification (germline): Uncertain significance. Review status: criteria provided, multiple submitters, no conflicts (2 of 4 stars). 3 submissions from 3 submitters: Uncertain significance (3). Last evaluated 2025-12-03.

Conditions:
Noonan syndrome 8 (NS8). Identifiers: Orphanet 648, MedGen C3809233, MONDO:0014143, OMIM 615355.
Cardiovascular phenotype. Identifiers: MedGen CN230736.

Allele frequency attached by ClinVar (database versions not stated): gnomAD 0.00001; TOPMed 0.00001.

Submissions (3):

Ambry Genetics
Classification: Uncertain significance for Cardiovascular phenotype. Last evaluated: 2025-12-03. Review status: criteria provided, single submitter. Criteria: Ambry Variant Classification Scheme 2023. Collection method: clinical testing. Allele origin: germline.
Comment: The p.R112H variant (also known as c.335G>A), located in coding exon 4 of the RIT1 gene, results from a G to A substitution at nucleotide position 335. The arginine at codon 112 is replaced by histidine, an amino acid with highly similar properties. This amino acid position is highly conserved in available vertebrate species. In addition, this alteration is predicted to be tolerated by in silico analysis. Based on the available evidence, the clinical significance of this variant remains unclear.

Labcorp Genetics (formerly Invitae), Labcorp
Classification: Uncertain significance for Noonan syndrome 8. Last evaluated: 2025-07-29. Review status: criteria provided, single submitter. Criteria: Invitae Variant Classification Sherloc (09022015). Collection method: clinical testing. Allele origin: germline.
Comment: This sequence change replaces arginine, which is basic and polar, with histidine, which is basic and polar, at codon 112 of the RIT1 protein (p.Arg112His). This variant is present in population databases (no rsID available, gnomAD 0.01%). This variant has not been reported in the literature in individuals affected with RIT1-related conditions. ClinVar contains an entry for this variant (Variation ID: 2074736). Invitae Evidence Modeling of protein sequence and biophysical properties (such as structural, functional, and spatial information, amino acid conservation, physicochemical variation, residue mobility, and thermodynamic stability) indicates that this missense variant is not expected to disrupt RIT1 protein function with a negative predictive value of 95%. In summary, the available evidence is currently insufficient to determine the role of this variant in disease. Therefore, it has been classified as a Variant of Uncertain Significance.

Genome-Nilou Lab
Classification: Uncertain significance for Noonan syndrome 8. Last evaluated: 2023-04-11. Review status: criteria provided, single submitter. Criteria: ACMG Guidelines, 2015. Collection method: clinical testing. Allele origin: germline. Affected: no.